The following is an entry in ClinVar:

ClinVar aggregate classification (germline): Conflicting classifications of pathogenicity. Review status: criteria provided, conflicting classifications (1 of 4 stars). 3 submissions from 3 submitters: Uncertain significance (2); Likely benign (1). Last evaluated 2024-08-29.

Conditions:
Hereditary cancer-predisposing syndrome. Also called: Tumor predisposition; Neoplastic Syndromes, Hereditary; Hereditary Cancer Syndrome; Hereditary neoplastic syndrome. Identifiers: Orphanet 140162, MedGen C0027672, MeSH D009386, MONDO:0015356.
Hereditary breast ovarian cancer syndrome. Also called: Hereditary breast and ovarian cancer; Hereditary breast and ovarian cancer syndrome; Hereditary breast and ovarian cancer syndrome (HBOC); Breast and ovarian cancer; BRCA1- and BRCA2-Associated Hereditary Breast and Ovarian Cancer; Hereditary breast and/or ovarian cancer syndrome. Identifiers: Orphanet 145, MedGen C0677776, MeSH D061325, MONDO:0003582. Disease mechanism: loss of function.
Breast cancer, susceptibility to. Identifiers: MedGen C3469522. Disease mechanism: gain of function.

Allele frequency attached by ClinVar (database versions not stated): TOPMed 0.00001.

Submissions (4):

Ambry Genetics
Classification: Likely benign for Hereditary cancer-predisposing syndrome. Last evaluated: 2024-08-29. Review status: criteria provided, single submitter. Criteria: Ambry Variant Classification Scheme 2023. Collection method: clinical testing. Allele origin: germline.

Labcorp Genetics (formerly Invitae), Labcorp
Classification: Uncertain significance for Hereditary breast ovarian cancer syndrome. Last evaluated: 2022-10-30. Review status: criteria provided, single submitter. Criteria: Invitae Variant Classification Sherloc (09022015). Collection method: clinical testing. Allele origin: germline.
Comment: This sequence change replaces cysteine, which is neutral and slightly polar, with tyrosine, which is neutral and polar, at codon 91 of the BRCA1 protein (p.Cys91Tyr). This variant is not present in population databases (gnomAD no frequency). This variant has not been reported in the literature in individuals affected with BRCA1-related conditions. ClinVar contains an entry for this variant (Variation ID: 545480). Advanced modeling performed at Invitae incorporating data from internal and/or published experimental studies (PMID: 30209399) indicates that this missense variant is not expected to disrupt BRCA1 function. In summary, the available evidence is currently insufficient to determine the role of this variant in disease. Therefore, it has been classified as a Variant of Uncertain Significance.

Cancer Molecular Diagnostics Core, Tianjin Medical University Cancer Institute and Hospital
Classification: Uncertain significance for Breast cancer, susceptibility to. Last evaluated: 2018-03-25. Review status: criteria provided, single submitter. Criteria: ACMG Guidelines, 2015. Collection method: research. Allele origin: germline. Affected: yes. Observed: 1 variant allele.

Brotman Baty Institute, University of Washington
No classification provided (evidence only). Condition: Breast-ovarian cancer, familial 1. Review status: no classification provided. Collection method: in vitro. Allele origin: not applicable. Functional consequence: functionally_normal. Not counted in ClinVar's aggregate classification.
ClinVar note: "not provided" was previously submitted as the classification for the variant. However, the classification appeared to be based only on an observation of functional data so it was converted to no classification on 2025-07-30.

Literature cited by the submitters: PubMed 30209399 (cited by Ambry Genetics and Labcorp Genetics (formerly Invitae), Labcorp); PubMed 32467295 (cited by Ambry Genetics).

NM_007294.4(BRCA1):c.272G>A (p.Cys91Tyr)

Gene: BRCA1 (BRCA1 DNA repair associated; minus strand). Cytogenetic location: 17q21.31.
Variant type: single nucleotide variant.
Coding change: c.272G>A on transcript NM_007294.4 (MANE Select); coding-DNA position 272, G replaced by A.
Protein change: p.Cys91Tyr; replaces cysteine 91 with tyrosine.
Molecular consequence: missense variant. On other transcripts: non-coding transcript variant (1).
Genome position (GRCh38, 1-based): chr17:43,104,897, C>T on the plus strand (G>A on the coding strand, the complement: BRCA1 is on the minus strand). VCF-style: chr17-43104897-C-T. GRCh37 (hg19) VCF-style: chr17-41256914-C-T.
Other names: c.62G>A, p.Cys21Tyr (NM_001407947.1, NM_001407948.1, NM_001407949.1 and 58 more transcripts); c.-110G>A (NM_001407959.1, NM_001407960.1, NM_001407962.1 and 4 more transcripts); c.131G>A, p.Cys44Tyr (NM_001407964.1, NM_001408410.1, NM_001408452.1 and 99 more transcripts); c.272G>A, p.Cys91Tyr (NM_001407968.1, NM_001407969.1, NM_001407970.1 and 168 more transcripts); c.194G>A, p.Cys65Tyr (NM_001408409.1, NM_001408411.1, NM_001408412.1 and 21 more transcripts); c.140G>A, p.Cys47Tyr (NM_001408451.1); short protein forms C91Y, C44Y, C47Y, C21Y, C65Y.
Identifiers: ClinVar variation 545480 (VCV000545480.9), dbSNP rs1333635543, ClinGen allele CA10601612.
Genomic context (GRCh38, chr17:43,104,897, plus strand): 5'-GAGTGTCATTCTTGGGATATTCAACACTTACACTCCAAACCTGTGTCAAGCTGAAAAGCA[C>T]AAATGATTTTCAATAGCTCTTCAACAAGTTGACTAAATCTCGTACTTTCTTGTAGGCTCC-3'
Protein context (NP_009225.1, residues 81-101): QLVEELLKII[Cys91Tyr]AFQLDTGLEY